The following is an entry in ClinVar:

ClinVar aggregate classification (germline): Pathogenic (1 of 4 stars; one submission).

Conditions:
DICER1-related tumor predisposition. Also called: DICER1 syndrome; DICER1-related pleuropulmonary blastoma cancer predisposition syndrome. Identifiers: Orphanet 284343, MedGen C3839822, MONDO:0100216.

Submission:

Labcorp Genetics (formerly Invitae), Labcorp
Classification: Pathogenic for DICER1-related tumor predisposition. Last evaluated: 2024-01-07. Review status: criteria provided, single submitter. Criteria: Invitae Variant Classification Sherloc (09022015). Collection method: clinical testing. Allele origin: germline.
Comment: This sequence change creates a premature translational stop signal (p.Cys531*) in the DICER1 gene. It is expected to result in an absent or disrupted protein product. Loss-of-function variants in DICER1 are known to be pathogenic (PMID: 19556464, 21266384). This variant is not present in population databases (gnomAD no frequency). This variant has not been reported in the literature in individuals affected with DICER1-related conditions. Algorithms developed to predict the effect of sequence changes on RNA splicing suggest that this variant may create or strengthen a splice site. For these reasons, this variant has been classified as Pathogenic.

Literature cited by the submitters: PubMed 19556464; PubMed 21266384.

NM_177438.3(DICER1):c.1593C>A (p.Cys531Ter)

Gene: DICER1 (dicer 1, ribonuclease III; minus strand). Cytogenetic location: 14q32.13.
Variant type: single nucleotide variant.
Coding change: c.1593C>A on transcript NM_177438.3 (MANE Select); coding-DNA position 1593, C replaced by A.
Protein change: p.Cys531Ter; replaces cysteine 531 with a stop codon.
Molecular consequence: nonsense. On other transcripts: non-coding transcript variant (6), intron variant (1).
Genome position (GRCh38, 1-based): chr14:95,116,612, G>T on the plus strand (C>A on the coding strand, the complement: DICER1 is on the minus strand). VCF-style: chr14-95116612-G-T. GRCh37 (hg19) VCF-style: chr14-95582949-G-T.
Other names: c.1593C>A, p.Cys531Ter (NM_001195573.1, NM_001271282.3, NM_001291628.2 and 13 more transcripts); c.1311C>A, p.Cys437Ter (NM_001395686.1); c.1188C>A, p.Cys396Ter (NM_001395687.1, NM_001395688.1, NM_001395689.1 and 3 more transcripts); c.1026C>A, p.Cys342Ter (NM_001395691.1); c.-59-32C>A (NM_001395697.1); short protein forms C342*, C437*, C531*, C396*.
Identifiers: ClinVar variation 2708098 (VCV002708098.3), dbSNP rs2140125178, ClinGen allele CA390885002.